The following is an entry in ClinVar:

ClinVar aggregate classification (germline): Pathogenic (1 of 4 stars; one submission).

Conditions:
Fabry disease. Also called: ALPHA-GALACTOSIDASE A DEFICIENCY; ANDERSON-FABRY DISEASE; CERAMIDE TRIHEXOSIDASE DEFICIENCY; GLA DEFICIENCY; HEREDITARY DYSTOPIC LIPIDOSIS; Angiokeratoma corporis diffusum. Identifiers: Orphanet 324, MedGen C0002986, MONDO:0010526, OMIM 301500, HP:0001071. Disease mechanism: Fabry disease is due to inactivating mutations in the X-linked GLA gene resulting in deficiency of the enzyme Alpha Galactosidase-A., loss of function.

Submission:

Genomenon, Inc
Classification: Pathogenic for Fabry disease. Last evaluated: 2026-09-08. Review status: criteria provided, single submitter. Criteria: Genomenon Sequence Variant Interpretation Standards - Updated. Collection method: curation. Allele origin: germline. Affected: yes.
Comment: GLA p.Ala377Asp (c.1130C>A) is a missense variant that changes the amino acid at codon 377 from Alanine to Aspartic acid. This variant has been observed in at least one proband with clinical features consistent with Fabry disease (PMID:32719972;27585509;11668641;21700093). The variant was found to segregate with disease in at least one affected family (PMID:27585509). At least one functional study has demonstrated a substantial alteration in protein function relative to the wild-type (PMID:27657681). It is absent or not present at a significant frequency in gnomAD. In silico models predict that this variant is possibly or probably damaging. In conclusion, we classify GLA p.Ala377Asp (c.1130C>A) as a pathogenic variant.

Literature cited by the submitters: PubMed 32719972; PubMed 27585509; PubMed 11668641; PubMed 21700093; PubMed 27657681.

NM_000169.3(GLA):c.1130C>A (p.Ala377Asp)

Genes: GLA (galactosidase alpha; minus strand), RPL36A-HNRNPH2 (RPL36A-HNRNPH2 readthrough; plus strand). Cytogenetic location: Xq22.1.
Variant type: single nucleotide variant.
Coding change: c.1130C>A on transcript NM_000169.3 (MANE Select); coding-DNA position 1130, C replaced by A.
Protein change: p.Ala377Asp; replaces alanine 377 with aspartic acid.
Molecular consequence: missense variant. On other transcripts: non-coding transcript variant (3), intron variant (2).
Genome position (GRCh38, 1-based): chrX:101,397,969, G>T on the plus strand (C>A on the coding strand, the complement: GLA is on the minus strand). VCF-style: chrX-101397969-G-T. GRCh37 (hg19) VCF-style: chrX-100652957-G-T.
Other names: c.1253C>A, p.Ala418Asp (NM_001406747.1); c.300+2512G>T (NM_001199973.2); c.177+6147G>T (NM_001199974.2); short protein forms A377D, A418D.
Identifiers: ClinVar variation 4087643 (VCV004087643.2).